The following is an entry in ClinVar:

ClinVar aggregate classification (germline): Uncertain significance. Review status: criteria provided, multiple submitters, no conflicts (2 of 4 stars). 2 submissions from 2 submitters: Uncertain significance (2). Last evaluated 2026-05-01.

Conditions:
Inborn genetic diseases. Identifiers: MedGen C0950123, MeSH D030342.

Allele frequency attached by ClinVar (database versions not stated): gnomAD exomes 0.00001.
gnomAD v4.1: 4 of 1,614,162 alleles (0.00025%); highest among the groups gnomAD compares: East Asian, 0.0022%; no homozygotes.

Submissions (2):

Ambry Genetics
Classification: Uncertain significance for Inborn genetic diseases. Last evaluated: 2026-05-01. Review status: criteria provided, single submitter. Criteria: Ambry Variant Classification Scheme 2023. Collection method: clinical testing. Allele origin: germline.

Labcorp Genetics (formerly Invitae), Labcorp
Classification: Uncertain significance. Last evaluated: 2020-11-04. Review status: criteria provided, single submitter. Criteria: Invitae Variant Classification Sherloc (09022015). Collection method: clinical testing. Allele origin: germline.
Comment: This variant has not been reported in the literature in individuals with PRPF8-related conditions. This sequence change replaces arginine with tryptophan at codon 2287 of the PRPF8 protein (p.Arg2287Trp). The arginine residue is highly conserved and there is a moderate physicochemical difference between arginine and tryptophan. This variant is not present in population databases (ExAC no frequency). Algorithms developed to predict the effect of missense changes on protein structure and function are either unavailable or do not agree on the potential impact of this missense change (SIFT: "Deleterious"; PolyPhen-2: "Possibly Damaging"; Align-GVGD: "Class C0"). In summary, the available evidence is currently insufficient to determine the role of this variant in disease. Therefore, it has been classified as a Variant of Uncertain Significance.

NM_006445.4(PRPF8):c.6859C>T (p.Arg2287Trp)

Gene: PRPF8 (pre-mRNA processing factor 8; minus strand). Cytogenetic location: 17p13.3.
Variant type: single nucleotide variant.
Coding change: c.6859C>T on transcript NM_006445.4 (MANE Select); coding-DNA position 6859, C replaced by T.
Protein change: p.Arg2287Trp; replaces arginine 2287 with tryptophan.
Molecular consequence: missense variant.
Genome position (GRCh38, 1-based): chr17:1,650,951, G>A on the plus strand (C>T on the coding strand, the complement: PRPF8 is on the minus strand). VCF-style: chr17-1650951-G-A. GRCh37 (hg19) VCF-style: chr17-1554245-G-A.
Other names: c.6859C>T (NM_006445.3); short protein forms R2287W.
Identifiers: ClinVar variation 1467766 (VCV001467766.8), dbSNP rs1293883059, ClinGen allele CA397562631.